The following is an entry in ClinVar:

ClinVar aggregate classification (germline): Uncertain significance. Review status: criteria provided, multiple submitters, no conflicts (2 of 4 stars). 2 submissions from 2 submitters: Uncertain significance (2). Last evaluated 2022-09-20.

Conditions:
BICRA-related disorder. Also called: BICRA-related condition.

Allele frequency attached by ClinVar (database versions not stated): gnomAD 0.00001; gnomAD exomes 0.00002; TOPMed 0.00002.
gnomAD v4.1: 34 of 1,477,002 alleles (0.0023%); highest among the groups gnomAD compares: Non-Finnish European, 0.0026%; no homozygotes.

Submissions (2):

PreventionGenetics, part of Exact Sciences
Classification: Uncertain significance for BICRA-related condition. Last evaluated: 2022-09-20. Review status: criteria provided, single submitter. Criteria: ACMG Guidelines, 2015. Collection method: clinical testing. Allele origin: germline.
Comment: The BICRA c.1796C>T variant is predicted to result in the amino acid substitution p.Pro599Leu. To our knowledge, this variant has not been reported in the literature or in a large population database, indicating this variant is rare. At this time, the clinical significance of this variant is uncertain due to the absence of conclusive functional and genetic evidence.

Ambry Genetics
Classification: Uncertain significance. Last evaluated: 2022-08-01. Review status: criteria provided, single submitter. Criteria: Ambry Variant Classification Scheme 2023. Collection method: clinical testing. Allele origin: germline.

NM_001394372.1(BICRA):c.1796C>T (p.Pro599Leu)

Gene: BICRA (BRD4 interacting chromatin remodeling complex associated protein; plus strand). Cytogenetic location: 19q13.33.
Variant type: single nucleotide variant.
Coding change: c.1796C>T on transcript NM_001394372.1 (MANE Select); coding-DNA position 1796, C replaced by T.
Protein change: p.Pro599Leu; replaces proline 599 with leucine.
Molecular consequence: missense variant.
Genome position (GRCh38, 1-based): chr19:47,680,966, C>T. VCF-style: chr19-47680966-C-T. GRCh37 (hg19) VCF-style: chr19-48184223-C-T.
Other names: c.1796C>T, p.Pro599Leu (NM_015711.3); short protein forms P599L.
Identifiers: ClinVar variation 2637389 (VCV002637389.2), dbSNP rs934191154, ClinGen allele CA309234150.